The following is an entry in ClinVar:

ClinVar aggregate classification (germline): Pathogenic (1 of 4 stars; one submission).

Conditions:
Severe combined immunodeficiency due to DCLRE1C deficiency (RS-SCID). Also called: SCID, AUTOSOMAL RECESSIVE, T CELL-NEGATIVE, B CELL-NEGATIVE, NK CELL-POSITIVE, WITH SENSITIVITY TO IONIZING RADIATION. Identifiers: Orphanet 275, MedGen C1865371, MONDO:0011225, OMIM 602450.

Submission:

Labcorp Genetics (formerly Invitae), Labcorp
Classification: Pathogenic for Athabaskan severe combined immunodeficiency. Last evaluated: 2024-12-29. Review status: criteria provided, single submitter. Criteria: Invitae Variant Classification Sherloc (09022015). Collection method: clinical testing. Allele origin: germline.
Comment: This sequence change creates a premature translational stop signal (p.Met234Cysfs*51) in the DCLRE1C gene. It is expected to result in an absent or disrupted protein product. Loss-of-function variants in DCLRE1C are known to be pathogenic (PMID: 21664875, 26123418). This variant is not present in population databases (gnomAD no frequency). This variant has not been reported in the literature in individuals affected with DCLRE1C-related conditions. For these reasons, this variant has been classified as Pathogenic.

Literature cited by the submitters: PubMed 21664875; PubMed 26123418.

NM_001033855.3(DCLRE1C):c.700del (p.Met234fs)

Gene: DCLRE1C (DNA cross-link repair 1C; minus strand). Cytogenetic location: 10p13.
Variant type: Deletion.
Coding change: c.700del on transcript NM_001033855.3 (MANE Select); coding-DNA position 700, one base deleted (A; older notation c.700delA).
Protein change: p.Met234fs; shifts the reading frame from methionine 234.
Molecular consequence: frameshift variant. On other transcripts: non-coding transcript variant (4).
Genome position (GRCh38, 1-based): chr10:14,932,934, T deleted on the plus strand (A on the coding strand, the reverse complement: DCLRE1C is on the minus strand). VCF-style (leftmost placement, unchanged base first): chr10-14932933-AT-A. GRCh37 (hg19) VCF-style: chr10-14974932-AT-A.
Other names: c.340del, p.Met114fs (NM_001033857.3, NM_001033858.3, NM_001289077.2 and 2 more transcripts); c.355del, p.Met119fs (NM_001289076.2, NM_001289078.2, NM_001350966.2 and 1 more transcripts); c.700del, p.Met234fs (NM_001350965.2); short protein forms M114fs, M119fs, M234fs.
Identifiers: ClinVar variation 3728241 (VCV003728241.2).